The following is an entry in ClinVar:

NM_001061.7(TBXAS1):c.56C>T (p.Ala19Val)

Genes: TBXAS1 (thromboxane A synthase 1; plus strand), LOC126860199 (CDK7 strongly-dependent group 2 enhancer GRCh37_chr7:139528736-139529935; plus strand). Cytogenetic location: 7q34.
Variant type: single nucleotide variant.
Coding change: c.56C>T on transcript NM_001061.7 (MANE Select); coding-DNA position 56, C replaced by T.
Protein change: p.Ala19Val; replaces alanine 19 with valine.
Molecular consequence: missense variant. On other transcripts: 5 prime UTR variant (2), intron variant (1).
Genome position (GRCh38, 1-based): chr7:139,829,446, C>T. VCF-style: chr7-139829446-C-T. GRCh37 (hg19) VCF-style: chr7-139529245-C-T.
Other names: c.56C>T, p.Ala19Val (NM_001130966.5, NM_001166253.4, NM_001366538.2 and 1 more transcripts); c.-31C>T (NM_001314028.4, NM_001366537.3); c.-113+42020C>T (NM_001166254.4); short protein forms A20V, A19V.
Identifiers: ClinVar variation 4744214 (VCV004744214.1).

ClinVar aggregate classification (germline): Uncertain significance (1 of 4 stars; one submission).

Submission:

Labcorp Genetics (formerly Invitae), Labcorp
Classification: Uncertain significance. Last evaluated: 2025-04-14. Review status: criteria provided, single submitter. Criteria: Invitae Variant Classification Sherloc (09022015). Collection method: clinical testing. Allele origin: germline.
Comment: This sequence change replaces alanine, which is neutral and non-polar, with valine, which is neutral and non-polar, at codon 20 of the TBXAS1 protein (p.Ala20Val). The frequency data for this variant in the population databases is considered unreliable, as metrics indicate poor data quality at this position in the gnomAD database. This variant has not been reported in the literature in individuals affected with TBXAS1-related conditions. An algorithm developed to predict the effect of missense changes on protein structure and function (PolyPhen-2) suggests that this variant is likely to be tolerated. In summary, the available evidence is currently insufficient to determine the role of this variant in disease. Therefore, it has been classified as a Variant of Uncertain Significance.